The following is an entry in ClinVar:

ClinVar aggregate classification (germline): Uncertain significance (1 of 4 stars; one submission).

Conditions:
Cardiovascular phenotype. Identifiers: MedGen CN230736.

gnomAD v4.1: 1 of 1,613,370 alleles (0.000062%); highest among the groups gnomAD compares: Admixed American, 0.0017%; no homozygotes.

Submission:

Ambry Genetics
Classification: Uncertain significance for Cardiovascular phenotype. Last evaluated: 2024-06-17. Review status: criteria provided, single submitter. Criteria: Ambry Variant Classification Scheme 2023. Collection method: clinical testing. Allele origin: germline.
Comment: The p.G283S variant (also known as c.847G>A), located in coding exon 2 of the TNXB gene, results from a G to A substitution at nucleotide position 847. The glycine at codon 283 is replaced by serine, an amino acid with similar properties. This amino acid position is conserved. In addition, this alteration is predicted to be tolerated by in silico analysis. Based on the available evidence, the clinical significance of this variant remains unclear.

NM_001365276.2(TNXB):c.847G>A (p.Gly283Ser)

Gene: TNXB (tenascin XB; minus strand). Cytogenetic location: 6p21.33.
Variant type: single nucleotide variant.
Coding change: c.847G>A on transcript NM_001365276.2 (MANE Select); coding-DNA position 847, G replaced by A.
Protein change: p.Gly283Ser; replaces glycine 283 with serine.
Molecular consequence: missense variant.
Genome position (GRCh38, 1-based): chr6:32,097,006, C>T on the plus strand (G>A on the coding strand, the complement: TNXB is on the minus strand). VCF-style: chr6-32097006-C-T. GRCh37 (hg19) VCF-style: chr6-32064783-C-T.
Other names: c.847G>A, p.Gly283Ser (NM_019105.8); short protein forms G283S.
Identifiers: ClinVar variation 3327934 (VCV003327934.1).